The following is an entry in ClinVar:

ClinVar aggregate classification (germline): Uncertain significance (1 of 4 stars; one submission).

Conditions:
Hereditary cancer-predisposing syndrome. Also called: Neoplastic Syndromes, Hereditary; Tumor predisposition; Hereditary neoplastic syndrome; Hereditary Cancer Syndrome. Identifiers: Orphanet 140162, MedGen C0027672, MeSH D009386, MONDO:0015356.

Submission:

Ambry Genetics
Classification: Uncertain significance for Hereditary cancer-predisposing syndrome. Last evaluated: 2026-06-18. Review status: criteria provided, single submitter. Criteria: Ambry Variant Classification Scheme 2023. Collection method: clinical testing. Allele origin: germline.
Comment: The c.549+4A>T intronic variant results from an A to T substitution 4 nucleotides after coding exon 5 in the PRKAR1A gene. This nucleotide position is well conserved in available vertebrate species. In silico splice site analysis predicts that this alteration may weaken the native splice donor site. Based on the available evidence, the clinical significance of this variant remains unclear.

NM_002734.5(PRKAR1A):c.549+4A>T

Gene: PRKAR1A (protein kinase cAMP-dependent type I regulatory subunit alpha; plus strand). Cytogenetic location: 17q24.2.
Variant type: single nucleotide variant.
Coding change: c.549+4A>T on transcript NM_002734.5 (MANE Select); 4 bases into the intron after coding-DNA position 549, A replaced by T.
Molecular consequence: intron variant.
Genome position (GRCh38, 1-based): chr17:68,524,962, A>T. VCF-style: chr17-68524962-A-T. GRCh37 (hg19) VCF-style: chr17-66521103-A-T.
Other names: c.549+4A>T (NM_001278433.2, NM_001369389.1, NM_212471.3 and 4 more transcripts).
Identifiers: ClinVar variation 5027294 (VCV005027294.1).